The following is an entry in ClinVar:

NM_002691.4(POLD1):c.1892+4dup

Gene: POLD1 (DNA polymerase delta 1, catalytic subunit; plus strand). Cytogenetic location: 19q13.33.
Variant type: Duplication.
Coding change: c.1892+4dup on transcript NM_002691.4 (MANE Select); 4 bases into the intron after coding-DNA position 1892, one base duplicated (T; older notation c.1892+4dupT).
Molecular consequence: intron variant.
Genome position (GRCh38, 1-based): chr19:50,408,905, T duplicated. VCF-style (leftmost placement, unchanged base first): chr19-50408904-A-AT. GRCh37 (hg19) VCF-style: chr19-50912161-A-AT.
Other names: c.1892+4dup (NM_001256849.1); c.1970+4dup (NM_001308632.1).
Identifiers: ClinVar variation 2903800 (VCV002903800.3), dbSNP rs2514012575, ClinGen allele CA2586570467.
Genomic context (GRCh38, chr19:50,408,904, plus strand): 5'-TGGCCCACAACCTGTGTTACACCACGCTCCTTCGGCCCGGGACTGCACAGAAACTGGGGT[A>AT]TAGTGCCCAATTCAGCATGTGTCCCCCGAGGCCCATCTGGGCCTTCCCTTGGGGGGCTCA-3'

ClinVar aggregate classification (germline): Uncertain significance (1 of 4 stars; one submission).

Conditions:
POLD1-related polyposis and colorectal cancer syndrome (CRCS10). Also called: Colorectal cancer 10; COLORECTAL CANCER, SUSCEPTIBILITY TO, ON CHROMOSOME 19q; Colorectal cancer, susceptibility to, 10. Identifiers: Orphanet 220460, MedGen C2675481, MONDO:0012953, OMIM 612591.

Allele frequency attached by ClinVar (database versions not stated): gnomAD exomes below 0.00001.

Submission:

Labcorp Genetics (formerly Invitae), Labcorp
Classification: Uncertain significance for POLD1-related polyposis and colorectal cancer syndrome. Last evaluated: 2023-06-16. Review status: criteria provided, single submitter. Criteria: Invitae Variant Classification Sherloc (09022015). Collection method: clinical testing. Allele origin: germline.
Comment: This sequence change falls in intron 15 of the POLD1 gene. It does not directly change the encoded amino acid sequence of the POLD1 protein. It affects a nucleotide within the consensus splice site. This variant is not present in population databases (gnomAD no frequency). This variant has not been reported in the literature in individuals affected with POLD1-related conditions. Variants that disrupt the consensus splice site are a relatively common cause of aberrant splicing (PMID: 17576681, 9536098). Algorithms developed to predict the effect of sequence changes on RNA splicing suggest that this variant is not likely to affect RNA splicing. In summary, the available evidence is currently insufficient to determine the role of this variant in disease. Therefore, it has been classified as a Variant of Uncertain Significance.

Literature cited by the submitters: PubMed 17576681; PubMed 9536098.